The following is an entry in ClinVar:

ClinVar aggregate classification (germline): Conflicting classifications of pathogenicity. Review status: criteria provided, conflicting classifications (1 of 4 stars). 4 submissions from 4 submitters: Uncertain significance (1); Benign (1); Likely benign (2). Last evaluated 2026-09-01.

Conditions:
Hypothyroidism, congenital, nongoitrous, 2 (CHNG2). Also called: Hypothyroidism, congenital, due to thyroid dysgenesis or hypoplasia. Identifiers: Orphanet 95712, MedGen C1869118, MONDO:0024264, OMIM 218700.

Allele frequency attached by ClinVar (database versions not stated): gnomAD exomes 0.00046 and 0.00118; gnomAD 0.00076 and 0.00087; ExAC 0.00085; TOPMed 0.00091; 1000 Genomes Project 30x 0.00172; 1000 Genomes Project 0.00220.

Submissions (4):

CeGaT Center for Human Genetics Tuebingen
Classification: Likely benign. Last evaluated: 2026-09-01. Review status: criteria provided, single submitter. Criteria: CeGaT Center For Human Genetics Tuebingen Variant Classification Criteria Version 2. Collection method: clinical testing. Allele origin: germline. Affected: yes. Observed: 3 variant alleles.
Comment: PAX8: BP4, BP7

Blueprint Genetics
Classification: Likely benign. Last evaluated: 2024-05-23. Review status: criteria provided, single submitter. Criteria: ACMG Guidelines, 2015. Collection method: clinical testing. Allele origin: germline.

Labcorp Genetics (formerly Invitae), Labcorp
Classification: Benign. Last evaluated: 2019-12-31. Review status: criteria provided, single submitter. Criteria: Invitae Variant Classification Sherloc (09022015). Collection method: clinical testing. Allele origin: germline.

Illumina Laboratory Services, Illumina
Classification: Uncertain significance for Hypothyroidism, congenital, nongoitrous, 2. Last evaluated: 2018-01-12. Review status: criteria provided, single submitter. Criteria: ICSL Variant Classification Criteria 13 December 2019. Collection method: clinical testing. Allele origin: germline.

NM_003466.4(PAX8):c.129G>A (p.Arg43=)

Genes: PAX8-AS1 (PAX8 antisense RNA 1; plus strand), PAX8 (paired box 8; minus strand). Cytogenetic location: 2q14.1.
Variant type: single nucleotide variant.
Coding change: c.129G>A on transcript NM_003466.4 (MANE Select); coding-DNA position 129, G replaced by A.
Protein change: p.Arg43=; no amino-acid change (arginine 43 retained).
Molecular consequence: synonymous variant.
Genome position (GRCh38, 1-based): chr2:113,246,816, C>T on the plus strand (G>A on the coding strand, the complement: PAX8 is on the minus strand). VCF-style: chr2-113246816-C-T. GRCh37 (hg19) VCF-style: chr2-114004393-C-T.
Other names: c.129G>A, p.Arg43= (NM_013952.4, NM_013953.4, NM_013992.4).
Identifiers: ClinVar variation 330895 (VCV000330895.16), dbSNP rs75444177, ClinGen allele CA1840339.